The following is an entry in ClinVar:

NM_014028.4(OSTM1):c.531C>A (p.Asn177Lys)

Gene: OSTM1 (osteoclastogenesis associated transmembrane protein 1; minus strand). Cytogenetic location: 6q21.
Variant type: single nucleotide variant.
Coding change: c.531C>A on transcript NM_014028.4 (MANE Select); coding-DNA position 531, C replaced by A.
Protein change: p.Asn177Lys; replaces asparagine 177 with lysine.
Molecular consequence: missense variant.
Genome position (GRCh38, 1-based): chr6:108,054,574, G>T on the plus strand (C>A on the coding strand, the complement: OSTM1 is on the minus strand). VCF-style: chr6-108054574-G-T. GRCh37 (hg19) VCF-style: chr6-108375778-G-T.
Other names: short protein forms N177K.
Identifiers: ClinVar variation 1368056 (VCV001368056.5), dbSNP rs568128004, ClinGen allele CA3948029.

ClinVar aggregate classification (germline): Uncertain significance (1 of 4 stars; one submission).

Allele frequency attached by ClinVar (database versions not stated): 1000 Genomes Project 0.00020; 1000 Genomes Project 30x 0.00016.

Submission:

Labcorp Genetics (formerly Invitae), Labcorp
Classification: Uncertain significance. Last evaluated: 2021-08-14. Review status: criteria provided, single submitter. Criteria: Invitae Variant Classification Sherloc (09022015). Collection method: clinical testing. Allele origin: germline.
Comment: This sequence change replaces asparagine with lysine at codon 177 of the OSTM1 protein (p.Asn177Lys). The asparagine residue is moderately conserved and there is a moderate physicochemical difference between asparagine and lysine. This variant is present in population databases (rs568128004, ExAC 0.009%). This variant has not been reported in the literature in individuals affected with OSTM1-related conditions. Algorithms developed to predict the effect of missense changes on protein structure and function (SIFT, PolyPhen-2, Align-GVGD) all suggest that this variant is likely to be tolerated. In summary, the available evidence is currently insufficient to determine the role of this variant in disease. Therefore, it has been classified as a Variant of Uncertain Significance.